The following is an entry in ClinVar:

NM_016628.5(WAC):c.1474_1475del (p.Gln492fs)

Gene: WAC (WW domain containing adaptor with coiled-coil; plus strand). Cytogenetic location: 10p12.1.
Variant type: Microsatellite.
Coding change: c.1474_1475del on transcript NM_016628.5 (MANE Select); coding-DNA positions 1474 to 1475, 2 bases deleted (CA; older notation c.1474_1475delCA).
Protein change: p.Gln492fs; shifts the reading frame from glutamine 492.
Molecular consequence: frameshift variant.
Genome position (GRCh38, 1-based): chr10:28,614,603-28,614,604, CA deleted; deleting any 2 consecutive bases within chr10:28,614,601-28,614,604 gives the same sequence; the c. name uses the placement nearest the transcript's 3' end. VCF-style (leftmost placement, unchanged base first): chr10-28614600-TCA-T. GRCh37 (hg19) VCF-style: chr10-28903529-TCA-T.
Other names: c.1339_1340del, p.Gln447fs (NM_100264.3); c.1165_1166del, p.Gln389fs (NM_100486.4); short protein forms Q389fs, Q447fs, Q492fs.
Identifiers: ClinVar variation 2630688 (VCV002630688.1), dbSNP rs2492191425, ClinGen allele CA658780482.

ClinVar aggregate classification (germline): Pathogenic (1 of 4 stars; one submission).

Conditions:
WAC-related disorder. Also called: WAC-related condition.

Submission:

PreventionGenetics, part of Exact Sciences
Classification: Pathogenic for WAC-related condition. Last evaluated: 2023-09-14. Review status: criteria provided, single submitter. Criteria: ACMG Guidelines, 2015. Collection method: clinical testing. Allele origin: germline.
Comment: The WAC c.1474_1475delCA variant is predicted to result in a frameshift and premature protein termination (p.Gln492Valfs*10). This variant has been reported as de novo in at least one individual with autism spectrum disorder (reported as c.1472_1473del Table S5, Yuen et al 2017. PubMed ID: 28263302; Supplementary Data 1, Zhou X et al 2022. PubMed ID: 35982159). This variant has not been reported in a large population database, indicating this variant is rare. Frameshift variants in WAC are expected to be pathogenic. This variant is interpreted as pathogenic.